The following is an entry in ClinVar:

NM_001040716.2(PC):c.2339_2340del (p.Val780fs)

Gene: PC (pyruvate carboxylase; minus strand). Cytogenetic location: 11q13.2.
Variant type: Deletion.
Coding change: c.2339_2340del on transcript NM_001040716.2 (MANE Select); coding-DNA positions 2339 to 2340, 2 bases deleted (TG; older notation c.2339_2340delTG).
Protein change: p.Val780fs; shifts the reading frame from valine 780.
Molecular consequence: frameshift variant.
Genome position (GRCh38, 1-based): chr11:66,850,807-66,850,808, CA deleted on the plus strand (TG on the coding strand, the reverse complement: PC is on the minus strand); deleting any 2 consecutive bases within chr11:66,850,807-66,850,809 gives the same sequence; the c. name uses the placement nearest the transcript's 3' end. VCF-style (leftmost placement, unchanged base first): chr11-66850806-CCA-C. GRCh37 (hg19) VCF-style: chr11-66618277-CCA-C.
Other names: c.2339_2340del, p.Val780fs (NM_000920.4, NM_001439352.1, NM_001439353.1 and 5 more transcripts); short protein forms V780fs.
Identifiers: ClinVar variation 5015358 (VCV005015358.1).
Genomic context (GRCh38, chr11:66,850,806, plus strand): 5'-TGGAATCAGCTGCCACATCCACCACATCAGCTCCAGCCTGGGCACAGGCCAGCATGGCTG[CCA>C]CGCCTGCCCCTGACGTGTCGTGGGTGTGGATGTGCAGTGGGAGGTCGGGGAAGCGGTCCC-3'

ClinVar aggregate classification (germline): Pathogenic (1 of 4 stars; one submission).

Conditions:
Pyruvate carboxylase deficiency. Also called: ATAXIA WITH LACTIC ACIDOSIS II; LEIGH NECROTIZING ENCEPHALOPATHY DUE TO PYRUVATE CARBOXYLASE DEFICIENCY; LEIGH SYNDROME DUE TO PYRUVATE CARBOXYLASE DEFICIENCY; PC DEFICIENCY; Pyruvate Carboxylase Deficiency Disease. Identifiers: Orphanet 3008, MedGen C0034341, MONDO:0009949, OMIM 266150.

Submission:

Myriad Genetics, Inc.
Classification: Pathogenic for Pyruvate carboxylase deficiency. Last evaluated: 2025-12-21. Review status: criteria provided, single submitter. Criteria: Myriad Autosomal Dominant, Autosomal Recessive and X-Linked Classification Criteria (2023). Collection method: clinical testing. Allele origin: unknown.
Comment: NM_000920.3(PC):c.2339_2340delTG(V780Gfs*12) is expected to be pathogenic in the context of pyruvate carboxylase deficiency. This variant is predicted to lead to an abnormal or absent protein product due to the creation of a premature termination codon in PC, a gene where loss-of-function variants are known to be pathogenic. Please note: this variant was assessed in the context of healthy population screening.